The following is an entry in ClinVar:

NM_014491.4(FOXP2):c.3G>T (p.Met1Ile)

Gene: FOXP2 (forkhead box P2; plus strand). Cytogenetic location: 7q31.1.
Variant type: single nucleotide variant.
Coding change: c.3G>T on transcript NM_014491.4 (MANE Select); coding-DNA position 3, G replaced by T.
Protein change: p.Met1Ile; changes the start codon (methionine 1).
Molecular consequence: missense variant, initiator codon variant. On other transcripts: non-coding transcript variant (2).
Genome position (GRCh38, 1-based): chr7:114,426,514, G>T. VCF-style: chr7-114426514-G-T. GRCh37 (hg19) VCF-style: chr7-114066569-G-T.
Other names: c.3G>T, p.Met1Ile (NM_001172766.3, NM_001172767.2, NM_148898.4 and 2 more transcripts); short protein forms M1I.
Identifiers: ClinVar variation 3769858 (VCV003769858.1).

ClinVar aggregate classification (germline): Pathogenic (1 of 4 stars; one submission).

Submission:

GeneDx
Classification: Pathogenic. Last evaluated: 2024-09-17. Review status: criteria provided, single submitter. Criteria: GeneDx Variant Classification Process June 2021. Collection method: clinical testing. Allele origin: germline. Affected: yes.
Comment: Initiation codon variant in a gene for which loss of function is a known mechanism of disease; Not observed at significant frequency in large population cohorts (gnomAD); Has not been previously published as pathogenic or benign to our knowledge